The following is an entry in ClinVar:

NM_021930.6(RINT1):c.1107G>A (p.Arg369=)

Gene: RINT1 (RAD50 interactor 1; plus strand). Cytogenetic location: 7q22.3.
Variant type: single nucleotide variant.
Coding change: c.1107G>A on transcript NM_021930.6 (MANE Select); coding-DNA position 1107, G replaced by A.
Protein change: p.Arg369=; no amino-acid change (arginine 369 retained).
Molecular consequence: synonymous variant. On other transcripts: non-coding transcript variant (1).
Genome position (GRCh38, 1-based): chr7:105,550,165, G>A. VCF-style: chr7-105550165-G-A. GRCh37 (hg19) VCF-style: chr7-105190612-G-A.
Other names: c.873G>A, p.Arg291= (NM_001346599.2); c.84G>A, p.Arg28= (NM_001346600.2, NM_001346603.2); c.183G>A, p.Arg61= (NM_001346601.2).
Identifiers: ClinVar variation 2162799 (VCV002162799.4), dbSNP rs2485132299, ClinGen allele CA457201926.

ClinVar aggregate classification (germline): Uncertain significance (1 of 4 stars; one submission).

Submission:

Labcorp Genetics (formerly Invitae), Labcorp
Classification: Uncertain significance. Last evaluated: 2022-03-27. Review status: criteria provided, single submitter. Criteria: Invitae Variant Classification Sherloc (09022015). Collection method: clinical testing. Allele origin: germline.
Comment: In summary, the available evidence is currently insufficient to determine the role of this variant in disease. Therefore, it has been classified as a Variant of Uncertain Significance. Variants that disrupt the consensus splice site are a relatively common cause of aberrant splicing (PMID: 17576681, 9536098). Algorithms developed to predict the effect of sequence changes on RNA splicing suggest that this variant may disrupt the consensus splice site. This variant has not been reported in the literature in individuals affected with RINT1-related conditions. This variant is not present in population databases (gnomAD no frequency). This sequence change affects codon 369 of the RINT1 mRNA. It is a 'silent' change, meaning that it does not change the encoded amino acid sequence of the RINT1 protein. This variant also falls at the last nucleotide of exon 8, which is part of the consensus splice site for this exon.

Literature cited by the submitters: PubMed 17576681; PubMed 9536098.